The following is an entry in ClinVar:

NM_000521.4(HEXB):c.919_920insTCGTTCGGGGCGCC (p.Thr307fs)

Gene: HEXB (hexosaminidase subunit beta; plus strand). Cytogenetic location: 5q13.3.
Variant type: Insertion.
Coding change: c.919_920insTCGTTCGGGGCGCC on transcript NM_000521.4 (MANE Select); coding-DNA positions 919 to 920, TCGTTCGGGGCGCC inserted.
Protein change: p.Thr307fs; shifts the reading frame from threonine 307.
Molecular consequence: frameshift variant.
Genome position: GRCh38 VCF-style: chr5-74715527-A-ATCGTTCGGGGCGCC. GRCh37 (hg19) VCF-style: chr5-74011352-A-ATCGTTCGGGGCGCC.
Other names: c.244_245insTCGTTCGGGGCGCC, p.Thr82fs (NM_001292004.2); short protein forms T307fs, T82fs.
Identifiers: ClinVar variation 5012656 (VCV005012656.1).
Genomic context (GRCh38, chr5:74,715,527, plus strand): 5'-TGAGTACACTTCTTTTAAAAAGAATCTTAATATTTTCTTCTAGGTCAGAAAGACCTCCTG[A>ATCGTTCGGGGCGCC]CTCCATGTTACAGTAGACAAAACAAGTTGGACTCTTTTGGACCTATAAACCCTACTCTGA-3'

ClinVar aggregate classification (germline): Pathogenic (1 of 4 stars; one submission).

Conditions:
Sandhoff disease. Also called: HEXOSAMINIDASES A AND B DEFICIENCY; Beta-hexosaminidase-beta-subunit deficiency; GM2 gangliosidosis, type 2; Total hexosaminidase deficiency; Sandhoff-Jatzkewitz-Pilz disease; GM2-GANGLIOSIDOSIS, TYPE II. Identifiers: Orphanet 796, MedGen C0036161, MONDO:0010006, OMIM 268800.

Submission:

Myriad Genetics, Inc.
Classification: Pathogenic for Sandhoff disease. Last evaluated: 2024-01-21. Review status: criteria provided, single submitter. Criteria: Myriad Autosomal Dominant, Autosomal Recessive and X-Linked Classification Criteria (2023). Collection method: clinical testing. Allele origin: unknown.
Comment: NM_000521.3(HEXB):c.919_920ins14(T307Ifs*21) is expected to be pathogenic in the context of Sandhoff disease. This variant is predicted to lead to an abnormal or absent protein product due to the creation of a premature termination codon in HEXB, a gene where loss-of-function variants are known to be pathogenic. Please note: this variant was assessed in the context of healthy population screening.